The following is an entry in ClinVar:

NM_001007237.3(IGSF3):c.3243T>C (p.His1081=)

Gene: IGSF3 (immunoglobulin superfamily member 3; minus strand). Cytogenetic location: 1p13.1.
Variant type: single nucleotide variant.
Coding change: c.3243T>C on transcript NM_001007237.3 (MANE Select); coding-DNA position 3243, T replaced by C.
Protein change: p.His1081=; no amino-acid change (histidine 1081 retained).
Molecular consequence: synonymous variant.
Genome position (GRCh38, 1-based): chr1:116,579,483, A>G on the plus strand (T>C on the coding strand, the complement: IGSF3 is on the minus strand). VCF-style: chr1-116579483-A-G. GRCh37 (hg19) VCF-style: chr1-117122105-A-G.
Other names: c.3303T>C, p.His1101= (NM_001542.4).
Identifiers: ClinVar variation 3039985 (VCV003039985.2), dbSNP rs200409720, ClinGen allele CA1026034.

ClinVar aggregate classification (germline): Likely benign (0 of 4 stars; one submission).

Conditions:
IGSF3-related disorder. Also called: IGSF3-related condition.

Allele frequency attached by ClinVar (database versions not stated): gnomAD 0.00003; gnomAD exomes 0.00003; ExAC 0.00005; TOPMed 0.00005; 1000 Genomes Project 30x 0.00016; 1000 Genomes Project 0.00020.
gnomAD v4.1: 54 of 1,613,484 alleles (0.0033%); highest among the groups gnomAD compares: Admixed American, 0.035%; no homozygotes.

Submission:

PreventionGenetics, part of Exact Sciences
Classification: Likely benign for IGSF3-related condition. Last evaluated: 2019-09-17. Review status: no assertion criteria provided. Collection method: clinical testing. Allele origin: germline.
Comment: This variant is classified as likely benign based on ACMG/AMP sequence variant interpretation guidelines (Richards et al. 2015 PMID: 25741868, with internal and published modifications).